The following is an entry in ClinVar:

ClinVar aggregate classification (germline): Likely pathogenic (1 of 4 stars; one submission).

Submission:

GeneDx
Classification: Likely pathogenic. Last evaluated: 2026-01-26. Review status: criteria provided, single submitter. Criteria: GeneDx Variant Classification Process June 2021. Collection method: clinical testing. Allele origin: germline.
Comment: Not observed at significant frequency in large population cohorts (gnomAD); In silico analysis supports that this missense variant has a deleterious effect on protein structure/function; Has not been previously published as pathogenic or benign to our knowledge

NM_001134673.4(NFIA):c.355T>C (p.Cys119Arg)

Gene: NFIA (nuclear factor I A; plus strand). Cytogenetic location: 1p31.3.
Variant type: single nucleotide variant.
Coding change: c.355T>C on transcript NM_001134673.4 (MANE Select); coding-DNA position 355, T replaced by C.
Protein change: p.Cys119Arg; replaces cysteine 119 with arginine.
Molecular consequence: missense variant.
Genome position (GRCh38, 1-based): chr1:61,088,476, T>C. VCF-style: chr1-61088476-T-C. GRCh37 (hg19) VCF-style: chr1-61554148-T-C.
Other names: c.331T>C, p.Cys111Arg (NM_001145511.2); c.490T>C, p.Cys164Arg (NM_001145512.2); c.355T>C, p.Cys119Arg (NM_005595.5); short protein forms C111R, C119R, C164R.
Identifiers: ClinVar variation 4887882 (VCV004887882.1).